The following is an entry in ClinVar:

ClinVar aggregate classification (germline): Pathogenic (1 of 4 stars; one submission).

Conditions:
Hereditary diffuse gastric adenocarcinoma (HDGC). Also called: DIFFUSE GASTRIC AND LOBULAR BREAST CANCER SYNDROME. Identifiers: Orphanet 26106, MedGen C1708349, MONDO:0007648, OMIM 137215.

Submission:

Labcorp Genetics (formerly Invitae), Labcorp
Classification: Pathogenic for Hereditary diffuse gastric adenocarcinoma. Last evaluated: 2019-06-18. Review status: criteria provided, single submitter. Criteria: Invitae Variant Classification Sherloc (09022015). Collection method: clinical testing. Allele origin: germline.
Comment: For these reasons, this variant has been classified as Pathogenic. Loss-of-function variants in CDH1 are known to be pathogenic (PMID: 15235021, 20373070). This variant has not been reported in the literature in individuals with CDH1-related conditions. This variant is not present in population databases (ExAC no frequency). This sequence change creates a premature translational stop signal (p.Trp409*) in the CDH1 gene. It is expected to result in an absent or disrupted protein product.

Literature cited by the submitters: PubMed 15235021; PubMed 20373070.

NM_004360.5(CDH1):c.1227G>A (p.Trp409Ter)

Gene: CDH1 (cadherin 1; plus strand). Cytogenetic location: 16q22.1.
Variant type: single nucleotide variant.
Coding change: c.1227G>A on transcript NM_004360.5 (MANE Select); coding-DNA position 1227, G replaced by A.
Protein change: p.Trp409Ter; replaces tryptophan 409 with a stop codon.
Molecular consequence: nonsense. On other transcripts: 5 prime UTR variant (2), intron variant (1).
Genome position (GRCh38, 1-based): chr16:68,813,402, G>A. VCF-style: chr16-68813402-G-A. GRCh37 (hg19) VCF-style: chr16-68847305-G-A.
Other names: c.-389G>A (NM_001317185.2); c.-593G>A (NM_001317186.2); c.1137+1139G>A (NM_001317184.2); short protein forms W409*.
Identifiers: ClinVar variation 849317 (VCV000849317.8), dbSNP rs1960895237, ClinGen allele CA396461400.